The following is an entry in ClinVar:

ClinVar aggregate classification (germline): Uncertain significance (1 of 4 stars; one submission).

Conditions:
Developmental and epileptic encephalopathy, 23 (DEE23). Also called: Epileptic encephalopathy, early infantile, 23. Identifiers: Orphanet 411986, MedGen C4014492, MONDO:0014371, OMIM 615859.

Submission:

Labcorp Genetics (formerly Invitae), Labcorp
Classification: Uncertain significance for Developmental and epileptic encephalopathy, 23. Last evaluated: 2021-03-16. Review status: criteria provided, single submitter. Criteria: Invitae Variant Classification Sherloc (09022015). Collection method: clinical testing. Allele origin: germline.
Comment: In summary, the available evidence is currently insufficient to determine the role of this variant in disease. Therefore, it has been classified as a Variant of Uncertain Significance. Algorithms developed to predict the effect of missense changes on protein structure and function are either unavailable or do not agree on the potential impact of this missense change (SIFT: "Tolerated"; PolyPhen-2: "Probably Damaging"; Align-GVGD: "Class C0"). This variant has not been reported in the literature in individuals with DOCK7-related conditions. This variant is not present in population databases (ExAC no frequency). This sequence change replaces leucine with methionine at codon 1615 of the DOCK7 protein (p.Leu1615Met). The leucine residue is highly conserved and there is a small physicochemical difference between leucine and methionine.

NM_001367561.1(DOCK7):c.4870T>A (p.Leu1624Met)

Gene: DOCK7 (dedicator of cytokinesis 7; minus strand). Cytogenetic location: 1p31.3.
Variant type: single nucleotide variant.
Coding change: c.4870T>A on transcript NM_001367561.1 (MANE Select); coding-DNA position 4870, T replaced by A.
Protein change: p.Leu1624Met; replaces leucine 1624 with methionine.
Molecular consequence: missense variant.
Genome position (GRCh38, 1-based): chr1:62,496,392, A>T on the plus strand (T>A on the coding strand, the complement: DOCK7 is on the minus strand). VCF-style: chr1-62496392-A-T. GRCh37 (hg19) VCF-style: chr1-62962063-A-T.
Other names: c.4843T>A, p.Leu1615Met (NM_001271999.2, NM_001330614.2); c.4750T>A, p.Leu1584Met (NM_001272000.2, NM_001272001.2); c.4777T>A, p.Leu1593Met (NM_033407.4); short protein forms L1584M, L1615M, L1593M, L1624M.
Identifiers: ClinVar variation 1482727 (VCV001482727.8), dbSNP rs2149303257, ClinGen allele CA340614150.
Genomic context (GRCh38, chr1:62,496,392, plus strand): 5'-TTCTGACCTGATCAGGAAATGTTGTTTCCCTCAATTCCAGATCTTCTTCAGCATATGTCA[A>T]TATAGTCTTTAGAGAACGTCTTAAGAATTCTTCATTAAAATTCTGAGATGTGCCCACCAA-3'
Protein context (NP_001354490.1, residues 1614-1634): EFLRRSLKTI[Leu1624Met]TYAEEDLELR